The following is an entry in ClinVar:

ClinVar aggregate classification (germline): Likely benign. Review status: criteria provided, multiple submitters, no conflicts (2 of 4 stars). 4 submissions from 4 submitters: Likely benign (4). Last evaluated 2025-12-26.

Conditions:
Glycogen storage disease type X (GSD10). Also called: MYOPATHY DUE TO PHOSPHOGLYCERATE MUTASE DEFICIENCY; PGAMM DEFICIENCY; PHOSPHOGLYCERATE MUTASE, MUSCLE, DEFICIENCY OF; Dimauro disease; Glycogen storage disease due to phosphoglycerate mutase deficiency; GSD X. Identifiers: Orphanet 97234, MedGen C0268149, MONDO:0009865, OMIM 261670.
PGAM2-related disorder. Also called: PGAM2-related condition.

Allele frequency attached by ClinVar (database versions not stated): TOPMed 0.00007; ESP Exome Variant Server 0.00008; gnomAD exomes 0.00011; gnomAD 0.00018; ExAC 0.00019.
gnomAD v4.1: 188 of 1,606,572 alleles (0.012%); highest among the groups gnomAD compares: Admixed American, 0.012%; no homozygotes.

Submissions (4):

Labcorp Genetics (formerly Invitae), Labcorp
Classification: Likely benign for Glycogen storage disease type X. Last evaluated: 2025-12-26. Review status: criteria provided, single submitter. Criteria: Invitae Variant Classification Sherloc (09022015). Collection method: clinical testing. Allele origin: germline.

PreventionGenetics, part of Exact Sciences
Classification: Likely benign for PGAM2-related condition. Last evaluated: 2025-01-06. Review status: criteria provided, single submitter. Criteria: ACMG Guidelines, 2015. Collection method: clinical testing. Allele origin: germline.
Comment: This variant is classified as likely benign based on ACMG/AMP sequence variant interpretation guidelines (Richards et al. 2015 PMID: 25741868, with internal and published modifications).

CeGaT Center for Human Genetics Tuebingen
Classification: Likely benign. Last evaluated: 2024-10-01. Review status: criteria provided, single submitter. Criteria: CeGaT Center For Human Genetics Tuebingen Variant Classification Criteria Version 2. Collection method: clinical testing. Allele origin: germline. Affected: yes. Observed: 1 variant allele.
Comment: PGAM2: BP4, BP7

Blueprint Genetics
Classification: Likely benign. Last evaluated: 2024-03-18. Review status: criteria provided, single submitter. Criteria: ACMG Guidelines, 2015. Collection method: clinical testing. Allele origin: germline.

NM_000290.4(PGAM2):c.441C>T (p.Pro147=)

Genes: DBNL (drebrin like; plus strand), PGAM2 (phosphoglycerate mutase 2; minus strand). Cytogenetic location: 7p13.
Variant type: single nucleotide variant.
Coding change: c.441C>T on transcript NM_000290.4 (MANE Select); coding-DNA position 441, C replaced by T.
Protein change: p.Pro147=; no amino-acid change (proline 147 retained).
Molecular consequence: synonymous variant. On other transcripts: 3 prime UTR variant (6).
Genome position (GRCh38, 1-based): chr7:44,064,986, G>A on the plus strand (C>T on the coding strand, the complement: PGAM2 is on the minus strand). VCF-style: chr7-44064986-G-A. GRCh37 (hg19) VCF-style: chr7-44104585-G-A.
Other names: c.*4070G>A (NM_001014436.3, NM_001122956.2, NM_001284313.2 and 3 more transcripts); c.441C>T (NM_000290.3).
Identifiers: ClinVar variation 2182447 (VCV002182447.20), dbSNP rs373213851, ClinGen allele CA4236569.